The following is an entry in ClinVar:

NM_006031.6(PCNT):c.3446A>G (p.Asn1149Ser)

Gene: PCNT (pericentrin; plus strand). Cytogenetic location: 21q22.3.
Variant type: single nucleotide variant.
Coding change: c.3446A>G on transcript NM_006031.6 (MANE Select); coding-DNA position 3446, A replaced by G.
Protein change: p.Asn1149Ser; replaces asparagine 1149 with serine.
Molecular consequence: missense variant.
Genome position (GRCh38, 1-based): chr21:46,385,965, A>G. VCF-style: chr21-46385965-A-G. GRCh37 (hg19) VCF-style: chr21-47805880-A-G.
Other names: c.3092A>G, p.Asn1031Ser (NM_001315529.2); short protein forms N1031S, N1149S.
Identifiers: ClinVar variation 3357426 (VCV003357426.2).

ClinVar aggregate classification (germline): Likely benign. Review status: criteria provided, single submitter (1 of 4 stars). 2 submissions from 2 submitters: Likely benign (1). 1 of the submissions does not count toward it. Last evaluated 2024-10-23.

Conditions:
PCNT-related disorder. Also called: PCNT-related condition.

Submissions (2):

Blueprint Genetics
Classification: Likely benign. Last evaluated: 2024-10-23. Review status: criteria provided, single submitter. Criteria: ACMG Guidelines, 2015. Collection method: clinical testing. Allele origin: germline.

PreventionGenetics, part of Exact Sciences
Classification: Uncertain significance for PCNT-related condition. Last evaluated: 2024-08-12. Review status: no assertion criteria provided. Collection method: clinical testing. Allele origin: germline. Not counted in ClinVar's aggregate classification.
Comment: The PCNT c.3446A>G variant is predicted to result in the amino acid substitution p.Asn1149Ser. To our knowledge, this variant has not been reported in the literature. This variant is reported in 0.0062% of alleles in individuals of European (Non-Finnish) descent in gnomAD. At this time, the clinical significance of this variant is uncertain due to the absence of conclusive functional and genetic evidence.